The following is an entry in ClinVar:

NM_005802.5(TOPORS):c.485T>C (p.Val162Ala)

Gene: TOPORS (TOP1 binding arginine/serine rich protein, E3 ubiquitin ligase; minus strand). Cytogenetic location: 9p21.1.
Variant type: single nucleotide variant.
Coding change: c.485T>C on transcript NM_005802.5 (MANE Select); coding-DNA position 485, T replaced by C.
Protein change: p.Val162Ala; replaces valine 162 with alanine.
Molecular consequence: missense variant.
Genome position (GRCh38, 1-based): chr9:32,544,040, A>G on the plus strand (T>C on the coding strand, the complement: TOPORS is on the minus strand). VCF-style: chr9-32544040-A-G. GRCh37 (hg19) VCF-style: chr9-32544038-A-G.
Other names: c.290T>C, p.Val97Ala (NM_001195622.2); short protein forms V97A, V162A.
Identifiers: ClinVar variation 1952805 (VCV001952805.5), dbSNP rs2489454923, ClinGen allele CA373172516.
Genomic context (GRCh38, chr9:32,544,040, plus strand): 5'-GTACGGTAGCGAAATCGTCGATCAGGGGTGACAAAAGAACCATTATACGAAGGCCTTAGG[A>G]CATACTCCTTGAAGTCATCTTCTGCCCTCACAGAATGGAAAATAGAATCAAAGGGCTGTT-3'
Protein context (NP_005793.2, residues 152-172): VRAEDDFKEY[Val162Ala]LRPSYNGSFV

ClinVar aggregate classification (germline): Uncertain significance (1 of 4 stars; one submission).

Submission:

Labcorp Genetics (formerly Invitae), Labcorp
Classification: Uncertain significance. Last evaluated: 2024-02-24. Review status: criteria provided, single submitter. Criteria: Invitae Variant Classification Sherloc (09022015). Collection method: clinical testing. Allele origin: germline.
Comment: This sequence change replaces valine, which is neutral and non-polar, with alanine, which is neutral and non-polar, at codon 162 of the TOPORS protein (p.Val162Ala). This variant is not present in population databases (gnomAD no frequency). This variant has not been reported in the literature in individuals affected with TOPORS-related conditions. ClinVar contains an entry for this variant (Variation ID: 1952805). An algorithm developed to predict the effect of missense changes on protein structure and function (PolyPhen-2) suggests that this variant is likely to be disruptive. In summary, the available evidence is currently insufficient to determine the role of this variant in disease. Therefore, it has been classified as a Variant of Uncertain Significance.